The following is an entry in ClinVar:

ClinVar aggregate classification (germline): Uncertain significance. Review status: criteria provided, multiple submitters, no conflicts (2 of 4 stars). 2 submissions from 2 submitters: Uncertain significance (2). Last evaluated 2024-03-14.

Conditions:
Dilated cardiomyopathy 1G (CMD1G). Identifiers: Orphanet 154, MedGen C1858763, MONDO:0011400, OMIM 604145.
Autosomal recessive limb-girdle muscular dystrophy type 2J (LGMDR10). Also called: Limb-girdle muscular dystrophy, type 2J; MUSCULAR DYSTROPHY, LIMB-GIRDLE, AUTOSOMAL RECESSIVE 10. Identifiers: Orphanet 140922, MedGen C1837342, MONDO:0012127, OMIM 608807.

gnomAD v4.1: 2 of 1,613,344 alleles (0.00012%); highest among the groups gnomAD compares: Admixed American, 0.0033%; no homozygotes.

Submissions (2):

GeneDx
Classification: Uncertain significance. Last evaluated: 2024-03-14. Review status: criteria provided, single submitter. Criteria: GeneDx Variant Classification Process June 2021. Collection method: clinical testing. Allele origin: germline. Affected: yes.
Comment: Not observed at significant frequency in large population cohorts (gnomAD); Missense variant in a gene in which most reported pathogenic variants are truncating/loss of function; Has not been previously published as pathogenic or benign to our knowledge

Labcorp Genetics (formerly Invitae), Labcorp
Classification: Uncertain significance for Dilated cardiomyopathy 1G; Autosomal recessive limb-girdle muscular dystrophy type 2J. Last evaluated: 2016-06-21. Review status: criteria provided, single submitter. Criteria: Invitae Variant Classification Sherloc (09022015). Collection method: clinical testing. Allele origin: germline.

NM_001267550.2(TTN):c.29185G>T (p.Val9729Phe)

Gene: TTN (titin; minus strand). Cytogenetic location: 2q31.2.
Variant type: single nucleotide variant.
Coding change: c.29185G>T on transcript NM_001267550.2 (MANE Select); coding-DNA position 29185, G replaced by T.
Protein change: p.Val9729Phe; replaces valine 9729 with phenylalanine.
Molecular consequence: missense variant. On other transcripts: intron variant (3).
Genome position (GRCh38, 1-based): chr2:178,706,689, C>A on the plus strand (G>T on the coding strand, the complement: TTN is on the minus strand). VCF-style: chr2-178706689-C-A. GRCh37 (hg19) VCF-style: chr2-179571416-C-A.
Other names: c.28234G>T, p.Val9412Phe (NM_001256850.1); c.25453G>T, p.Val8485Phe (NM_133378.4); c.13282+31393G>T (NM_003319.4); c.13858+31393G>T (NM_133437.4); c.13657+31393G>T (NM_133432.3); c.29185G>T (NM_001267550.1); short protein forms V9729F, V8485F, V9412F.
Identifiers: ClinVar variation 404790 (VCV000404790.4), dbSNP rs1060500451, ClinGen allele CA16610531.